The following is an entry in ClinVar:

NM_000553.6(WRN):c.2732+1G>A

Gene: WRN (WRN RecQ like helicase; plus strand). Cytogenetic location: 8p12.
Variant type: single nucleotide variant.
Coding change: c.2732+1G>A on transcript NM_000553.6 (MANE Select); the canonical splice donor site of the intron after coding-DNA position 2732, G replaced by A.
Molecular consequence: splice donor variant.
Genome position (GRCh38, 1-based): chr8:31,124,624, G>A. VCF-style: chr8-31124624-G-A. GRCh37 (hg19) VCF-style: chr8-30982140-G-A.
Identifiers: ClinVar variation 1503023 (VCV001503023.8), dbSNP rs1047229701, ClinGen allele CA174884513.

ClinVar aggregate classification (germline): Likely pathogenic (1 of 4 stars; one submission).

Conditions:
Werner syndrome (WRN). Identifiers: Orphanet 902, MedGen C0043119, MONDO:0010196, OMIM 277700.

Submission:

Labcorp Genetics (formerly Invitae), Labcorp
Classification: Likely pathogenic for Werner syndrome. Last evaluated: 2023-11-09. Review status: criteria provided, single submitter. Criteria: Invitae Variant Classification Sherloc (09022015). Collection method: clinical testing. Allele origin: germline.
Comment: This sequence change affects a donor splice site in intron 22 of the WRN gene. It is expected to disrupt RNA splicing. Variants that disrupt the donor or acceptor splice site typically lead to a loss of protein function (PMID: 16199547), and loss-of-function variants in WRN are known to be pathogenic (PMID: 16673358). This variant is not present in population databases (gnomAD no frequency). This variant has not been reported in the literature in individuals affected with WRN-related conditions. ClinVar contains an entry for this variant (Variation ID: 1503023). Algorithms developed to predict the effect of sequence changes on RNA splicing suggest that this variant may disrupt the consensus splice site. In summary, the currently available evidence indicates that the variant is pathogenic, but additional data are needed to prove that conclusively. Therefore, this variant has been classified as Likely Pathogenic.

Literature cited by the submitters: PubMed 16199547; PubMed 16673358.